The following is an entry in ClinVar:

ClinVar aggregate classification (germline): Uncertain significance (1 of 4 stars; one submission).

Submission:

Labcorp Genetics (formerly Invitae), Labcorp
Classification: Uncertain significance. Last evaluated: 2025-03-10. Review status: criteria provided, single submitter. Criteria: Invitae Variant Classification Sherloc (09022015). Collection method: clinical testing. Allele origin: germline.
Comment: This sequence change falls in intron 12 of the PHEX gene. It does not directly change the encoded amino acid sequence of the PHEX protein. Information on the frequency of this variant in the gnomAD database is not available, as this variant may be reported differently in the database. This variant has not been reported in the literature in individuals affected with PHEX-related conditions. Experimental studies and prediction algorithms are not available or were not evaluated, and the effect of this variant on mRNA splicing is currently unknown. In summary, the available evidence is currently insufficient to determine the role of this variant in disease. Therefore, it has been classified as a Variant of Uncertain Significance.

NM_000444.6(PHEX):c.1404+10_1404+11delinsAT

Gene: PHEX (phosphate regulating endopeptidase X-linked; plus strand). Cytogenetic location: Xp22.11.
Variant type: Indel.
Coding change: c.1404+10_1404+11delinsAT on transcript NM_000444.6 (MANE Select); bases 10 to 11 of the intron after coding-DNA position 1404, CC replaced by AT.
Molecular consequence: intron variant.
Genome position (GRCh38, 1-based): chrX:22,133,634-22,133,635, CC replaced by AT. VCF-style: chrX-22133634-CC-AT. GRCh37 (hg19) VCF-style: chrX-22151751-CC-AT.
Other names: c.1404+10_1404+11delinsAT (NM_001282754.2).
Identifiers: ClinVar variation 4714828 (VCV004714828.1).